The following is an entry in ClinVar:

ClinVar aggregate classification (germline): Uncertain significance (1 of 4 stars; one submission).

Conditions:
Inborn genetic diseases. Identifiers: MedGen C0950123, MeSH D030342.

Submission:

Ambry Genetics
Classification: Uncertain significance for Inborn genetic diseases. Last evaluated: 2024-04-01. Review status: criteria provided, single submitter. Criteria: Ambry Variant Classification Scheme 2023. Collection method: clinical testing. Allele origin: germline.
Comment: The p.L1002H variant (also known as c.3005T>A), located in coding exon 15 of the ATR gene, results from a T to A substitution at nucleotide position 3005. The leucine at codon 1002 is replaced by histidine, an amino acid with similar properties. This amino acid position is conserved. In addition, this alteration is predicted to be deleterious by in silico analysis. Based on the available evidence, the clinical significance of this alteration remains unclear.

NM_001184.4(ATR):c.3005T>A (p.Leu1002His)

Gene: ATR (ATR serine/threonine kinase; minus strand). Cytogenetic location: 3q23.
Variant type: single nucleotide variant.
Coding change: c.3005T>A on transcript NM_001184.4 (MANE Select); coding-DNA position 3005, T replaced by A.
Protein change: p.Leu1002His; replaces leucine 1002 with histidine.
Molecular consequence: missense variant.
Genome position (GRCh38, 1-based): chr3:142,549,645, A>T on the plus strand (T>A on the coding strand, the complement: ATR is on the minus strand). VCF-style: chr3-142549645-A-T. GRCh37 (hg19) VCF-style: chr3-142268487-A-T.
Other names: c.2813T>A, p.Leu938His (NM_001354579.2); short protein forms L1002H, L938H.
Identifiers: ClinVar variation 3331450 (VCV003331450.1).
Genomic context (GRCh38, chr3:142,549,645, plus strand): 5'-TTTAATTGTTTTCCTAAAGTTCGAATGAGAGCAGAAGCTGCAGGGCTTGCTTTGGCAGCA[A>T]GATCAGGTAGTAGAACTTGTAATGTCCTCTGAAAAAGAATGCAACAATTACCAAAAAGTA-3'
Protein context (NP_001175.2, residues 992-1012): TRTLQVLLPD[Leu1002His]AAKASPAASA